The following is an entry in ClinVar:

NM_004168.4(SDHA):c.1930G>A (p.Val644Met)

Gene: SDHA (succinate dehydrogenase complex flavoprotein subunit A; plus strand). Cytogenetic location: 5p15.33.
Variant type: single nucleotide variant.
Coding change: c.1930G>A on transcript NM_004168.4 (MANE Select); coding-DNA position 1930, G replaced by A.
Protein change: p.Val644Met; replaces valine 644 with methionine.
Molecular consequence: missense variant.
Genome position (GRCh38, 1-based): chr5:256,355, G>A. VCF-style: chr5-256355-G-A. GRCh37 (hg19) VCF-style: chr5-256470-G-A.
Other names: c.1786G>A, p.Val596Met (NM_001294332.2); c.1687G>A, p.Val563Met (NM_001330758.2); short protein forms V644M, V563M, V596M.
Identifiers: ClinVar variation 412359 (VCV000412359.23), dbSNP rs3211483, ClinGen allele CA3173463.
Genomic context (GRCh38, chr5:256,355, plus strand): 5'-ATTTTTGTGCTTAACTTACCACTGACTCTTCTTTTCAAGGTCACTCTGGAATATAGACCC[G>A]TGATCGACAAAACTTTGAACGAGGCTGACTGTGCCACCGTCCCGCCAGCCATTCGCTCCT-3'
Protein context (NP_004159.2, residues 634-654): TGKVTLEYRP[Val644Met]IDKTLNEADC

ClinVar aggregate classification (germline): Uncertain significance. Review status: criteria provided, multiple submitters, no conflicts (2 of 4 stars). 9 submissions from 9 submitters: Uncertain significance (8). 1 of the submissions does not count toward it. Last evaluated 2026-02-18.

Conditions:
SDHA-related disorder. Also called: SDHA-related condition; SDHA-related disorders.
Hereditary cancer-predisposing syndrome. Also called: Hereditary neoplastic syndrome; Tumor predisposition; Hereditary Cancer Syndrome; Neoplastic Syndromes, Hereditary. Identifiers: Orphanet 140162, MedGen C0027672, MeSH D009386, MONDO:0015356.
Pheochromocytoma/paraganglioma syndrome 5. Also called: SDHA-Related Hereditary Paraganglioma-Pheochromocytoma Syndrome; Paragangliomas 5. Identifiers: Orphanet 29072, MedGen C3279992, MONDO:0013602, OMIM 614165.
Mitochondrial complex II deficiency, nuclear type 1. Also called: SUCCINATE CoQ REDUCTASE DEFICIENCY. Identifiers: Orphanet 3208, MedGen C5700310, MONDO:0100294, OMIM 252011.
Dilated cardiomyopathy 1GG (CMD1GG). Identifiers: Orphanet 154, MedGen C3150898, MONDO:0013339, OMIM 613642.

Allele frequency attached by ClinVar (database versions not stated): gnomAD exomes 0.00002; gnomAD 0.00004; ExAC 0.00003; TOPMed 0.00005.
gnomAD v4.1: 29 of 1,613,400 alleles (0.0018%); highest among the groups gnomAD compares: African/African-American, 0.019%; no homozygotes.

Submissions (9):

Dasa
Classification: Uncertain significance. Last evaluated: 2026-02-18. Review status: criteria provided, single submitter. Criteria: DASA Assertion Criteria. Collection method: clinical testing. Allele origin: germline.
Comment: NM_004168.4(SDHA):c.1930G>A (p.Val644Met) is a missense variant that results in the substitution of valine with methionine. The affected residue or protein region has prior evidence supporting clinical relevance. This variant is rare in population databases. Computational prediction algorithms are consistent with a deleterious effect. The currently available literature and clinical evidence are not sufficient to establish a definitive association between this variant and the reported condition. Therefore, this variant is classified as a variant of uncertain significance.

Labcorp Genetics (formerly Invitae), Labcorp
Classification: Uncertain significance for Pheochromocytoma/paraganglioma syndrome 5; Mitochondrial complex II deficiency, nuclear type 1. Last evaluated: 2026-01-18. Review status: criteria provided, single submitter. Criteria: Invitae Variant Classification Sherloc (09022015). Collection method: clinical testing. Allele origin: germline.
Comment: This sequence change replaces valine, which is neutral and non-polar, with methionine, which is neutral and non-polar, at codon 644 of the SDHA protein (p.Val644Met). This variant is present in population databases (rs3211483, gnomAD 0.03%). This missense change has been observed in individual(s) with dilated cardiomyopathy (DCM) (PMID: 28750076). ClinVar contains an entry for this variant (Variation ID: 412359). Invitae Evidence Modeling of protein sequence and biophysical properties (such as structural, functional, and spatial information, amino acid conservation, physicochemical variation, residue mobility, and thermodynamic stability) has been performed for this missense variant. However, the output from this modeling did not meet the statistical confidence thresholds required to predict the impact of this variant on SDHA protein function. In summary, the available evidence is currently insufficient to determine the role of this variant in disease. Therefore, it has been classified as a Variant of Uncertain Significance.

Quest Diagnostics Nichols Institute San Juan Capistrano
Classification: Uncertain significance. Last evaluated: 2025-02-14. Review status: criteria provided, single submitter. Criteria: Quest Diagnostics criteria. Collection method: clinical testing. Allele origin: unknown.
Comment: The SDHA c.1930G>A (p.Val644Met) variant has been reported in the published literature in in an individual with dilated cardiomyopathy (DCM) (PMID: 28750076 (2017)). The frequency of this variant in the general population (Genome Aggregation Database) is higher than would generally be expected for pathogenic variants in this gene. Analysis of this variant using bioinformatics tools for the prediction of the effect of amino acid changes on protein structure and function yielded predictions that this variant is damaging. Based on the available information, we are unable to determine the clinical significance of this variant.

Ambry Genetics
Classification: Uncertain significance for Hereditary cancer-predisposing syndrome. Last evaluated: 2024-04-24. Review status: criteria provided, single submitter. Criteria: Ambry Variant Classification Scheme 2023. Collection method: clinical testing. Allele origin: germline.
Comment: The p.V644M variant (also known as c.1930G>A), located in coding exon 15 of the SDHA gene, results from a G to A substitution at nucleotide position 1930. The valine at codon 644 is replaced by methionine, an amino acid with highly similar properties. This amino acid position is highly conserved in available vertebrate species. In addition, this alteration is predicted to be deleterious by in silico analysis. Based on the available evidence, the clinical significance of this variant remains unclear.

Baylor Genetics
Classification: Uncertain significance for Dilated cardiomyopathy 1GG. Last evaluated: 2024-01-28. Review status: criteria provided, single submitter. Criteria: ACMG Guidelines, 2015. Collection method: clinical testing. Allele origin: unknown.

PreventionGenetics, part of Exact Sciences
Classification: Uncertain significance for SDHA-related condition. Last evaluated: 2023-06-12. Review status: criteria provided, single submitter. Criteria: ACMG Guidelines, 2015. Collection method: clinical testing. Allele origin: germline.
Comment: The SDHA c.1930G>A variant is predicted to result in the amino acid substitution p.Val644Met. To our knowledge, this variant has not been reported in the literature. This variant is reported in 0.031% of alleles in individuals of African descent in gnomAD. At this time, the clinical significance of this variant is uncertain due to the absence of conclusive functional and genetic evidence.

Myriad Genetics, Inc.
Classification: Uncertain significance for Pheochromocytoma/paraganglioma syndrome 5. Last evaluated: 2023-04-21. Review status: criteria provided, single submitter. Criteria: Myriad Autosomal Dominant, Autosomal Recessive and X-Linked Classification Criteria (2023). Collection method: clinical testing. Allele origin: unknown.
Comment: This variant is classified as a variant of uncertain significance as there is insufficient evidence to determine its impact on protein function and/or cancer risk.

GeneDx
Classification: Uncertain significance. Last evaluated: 2022-05-09. Review status: criteria provided, single submitter. Criteria: GeneDx Variant Classification Process June 2021. Collection method: clinical testing. Allele origin: germline. Affected: yes.
Comment: In silico analysis supports that this missense variant does not alter protein structure/function; Observed in a patient with cardiomyopathy (Forleo 2017); This variant is associated with the following publications: (PMID: 28750076)

Counsyl
Classification: Uncertain significance for Pheochromocytoma/paraganglioma syndrome 5. Last evaluated: 2018-01-29. Review status: no assertion criteria provided. Collection method: clinical testing. Allele origin: unknown. Not counted in ClinVar's aggregate classification.

Literature cited by the submitters: PubMed 28750076 (cited by 4 submitters).